The following is an entry in ClinVar:

NM_000038.6(APC):c.3065A>G (p.Asp1022Gly)

Gene: APC (APC regulator of Wnt signaling pathway; plus strand). Cytogenetic location: 5q22.2.
Variant type: single nucleotide variant.
Coding change: c.3065A>G on transcript NM_000038.6 (MANE Select); coding-DNA position 3065, A replaced by G.
Protein change: p.Asp1022Gly; replaces aspartic acid 1022 with glycine.
Molecular consequence: missense variant.
Genome position (GRCh38, 1-based): chr5:112,838,659, A>G. VCF-style: chr5-112838659-A-G. GRCh37 (hg19) VCF-style: chr5-112174356-A-G.
Other names: c.3065A>G (NM_000038.5); c.3065A>G, p.Asp1022Gly (NM_001127510.3, NM_001354895.2); c.3011A>G, p.Asp1004Gly (NM_001127511.3); c.3119A>G, p.Asp1040Gly (NM_001354896.2); c.3095A>G, p.Asp1032Gly (NM_001354897.2); c.2990A>G, p.Asp997Gly (NM_001354898.2); c.2981A>G, p.Asp994Gly (NM_001354899.2); c.2942A>G, p.Asp981Gly (NM_001354900.2); and 6 more; short protein forms D1004G, D1022G, D1032G, D1040G, D739G, D862G, D896G, D921G.
Identifiers: ClinVar variation 1009641 (VCV001009641.12), dbSNP rs1765328779, ClinGen allele CA16028046.
Genomic context (GRCh38, chr5:112,838,659, plus strand): 5'-CCGACCTAGCCCATAAAATACATAGTGCAAATCATATGGATGATAATGATGGAGAACTAG[A>G]TACACCAATAAATTATAGTCTTAAATATTCAGATGAGCAGTTGAACTCTGGAAGGCAAAG-3'
Protein context (NP_000029.2, residues 1012-1032): NHMDDNDGEL[Asp1022Gly]TPINYSLKYS

ClinVar aggregate classification (germline): Uncertain significance. Review status: criteria provided, multiple submitters, no conflicts (2 of 4 stars). 4 submissions from 4 submitters: Uncertain significance (4). Last evaluated 2025-01-06.

Conditions:
Familial adenomatous polyposis 1 (FAP1). Also called: FAMILIAL ADENOMATOUS POLYPOSIS 1, ATTENUATED; POLYPOSIS, ADENOMATOUS INTESTINAL. Identifiers: MedGen C2713442, MONDO:0021056, OMIM 175100. Disease mechanism: loss of function.
Classic or attenuated familial adenomatous polyposis. Identifiers: MedGen CN372698, MONDO:0021057.
Hereditary cancer-predisposing syndrome. Also called: Tumor predisposition; Hereditary neoplastic syndrome; Neoplastic Syndromes, Hereditary; Hereditary Cancer Syndrome. Identifiers: Orphanet 140162, MedGen C0027672, MeSH D009386, MONDO:0015356.

Allele frequency attached by ClinVar (database versions not stated): gnomAD exomes below 0.00001.
gnomAD v4.1: 2 of 1,614,200 alleles (0.00012%); highest among the groups gnomAD compares: Non-Finnish European, 0.00017%; no homozygotes.

Submissions (4):

Ambry Genetics
Classification: Uncertain significance for Hereditary cancer-predisposing syndrome. Last evaluated: 2025-01-06. Review status: criteria provided, single submitter. Criteria: Ambry Variant Classification Scheme 2023. Collection method: clinical testing. Allele origin: germline.
Comment: The p.D1022G variant (also known as c.3065A>G), located in coding exon 15 of the APC gene, results from an A to G substitution at nucleotide position 3065. The aspartic acid at codon 1022 is replaced by glycine, an amino acid with similar properties. This amino acid position is conserved. In addition, in silico predictors for this gene do not accurately predict pathogenicity. Based on the available evidence, the clinical significance of this variant remains unclear.

Department of Pathology and Laboratory Medicine, Sinai Health System
Classification: Uncertain significance for classic or attenuated familial adenomatous polyposis. Last evaluated: 2024-11-22. Review status: criteria provided, single submitter. Criteria: ACMG Guidelines, 2015. Collection method: clinical testing. Allele origin: germline.

Labcorp Genetics (formerly Invitae), Labcorp
Classification: Uncertain significance for Familial adenomatous polyposis 1. Last evaluated: 2022-08-29. Review status: criteria provided, single submitter. Criteria: Invitae Variant Classification Sherloc (09022015). Collection method: clinical testing. Allele origin: germline.
Comment: ClinVar contains an entry for this variant (Variation ID: 1009641). In summary, the available evidence is currently insufficient to determine the role of this variant in disease. Therefore, it has been classified as a Variant of Uncertain Significance. Algorithms developed to predict the effect of sequence changes on RNA splicing suggest that this variant may create or strengthen a splice site. Algorithms developed to predict the effect of missense changes on protein structure and function (SIFT, PolyPhen-2, Align-GVGD) all suggest that this variant is likely to be disruptive. This variant has not been reported in the literature in individuals affected with APC-related conditions. This variant is not present in population databases (gnomAD no frequency). This sequence change replaces aspartic acid, which is acidic and polar, with glycine, which is neutral and non-polar, at codon 1022 of the APC protein (p.Asp1022Gly).

Mendelics
Classification: Uncertain significance. Last evaluated: 2022-05-04. Review status: criteria provided, single submitter. Criteria: Mendelics Assertion Criteria 2019. Collection method: clinical testing. Allele origin: germline.